The following is an entry in ClinVar:

NM_001035.3(RYR2):c.8113C>T (p.Pro2705Ser)

Gene: RYR2 (ryanodine receptor 2; plus strand). Cytogenetic location: 1q43.
Variant type: single nucleotide variant.
Coding change: c.8113C>T on transcript NM_001035.3 (MANE Select); coding-DNA position 8113, C replaced by T.
Protein change: p.Pro2705Ser; replaces proline 2705 with serine.
Molecular consequence: missense variant.
Genome position (GRCh38, 1-based): chr1:237,655,968, C>T. VCF-style: chr1-237655968-C-T. GRCh37 (hg19) VCF-style: chr1-237819268-C-T.
Other names: short protein forms P2705S.
Identifiers: ClinVar variation 927064 (VCV000927064.5), dbSNP rs1683205763, ClinGen allele CA345401058.

ClinVar aggregate classification (germline): Uncertain significance (1 of 4 stars; one submission).

Conditions:
Cardiomyopathy (CMYO). Also called: Cardiomyopathies. Identifiers: Orphanet 167848, MedGen C0878544, MONDO:0004994, HP:0001638. Inheritance: Various modes of inheritance.

Allele frequency attached by ClinVar (database versions not stated): gnomAD exomes below 0.00001.
gnomAD v4.1: 1 of 1,613,202 alleles (0.000062%); highest among the groups gnomAD compares: Non-Finnish European, 0.000085%; no homozygotes.

Submission:

Color Diagnostics, LLC DBA Color Health
Classification: Uncertain significance for Cardiomyopathy. Last evaluated: 2023-12-05. Review status: criteria provided, single submitter. Criteria: ACMG Guidelines, 2015. Collection method: clinical testing. Allele origin: germline.
Comment: This missense variant replaces proline with serine at codon 2705 of the RYR2 protein. Computational prediction tools and conservation analyses suggest that this variant may have deleterious impact on the protein function. Computational splicing tools suggest that this variant may not impact RNA splicing. To our knowledge, functional assays have not been performed for this variant nor has this variant been reported in individuals affected with cardiovascular disorders in the literature. This variant has not been identified in the general population by the Genome Aggregation Database (gnomAD). Available evidence is insufficient to determine the role of this variant in disease conclusively. Therefore, this variant is classified as a Variant of Uncertain Significance.